The following is an entry in ClinVar:

NM_013386.5(SLC25A24):c.1286G>A (p.Gly429Asp)

Gene: SLC25A24 (solute carrier family 25 member 24; minus strand). Cytogenetic location: 1p13.3.
Variant type: single nucleotide variant.
Coding change: c.1286G>A on transcript NM_013386.5 (MANE Select); coding-DNA position 1286, G replaced by A.
Protein change: p.Gly429Asp; replaces glycine 429 with aspartic acid.
Molecular consequence: missense variant.
Genome position (GRCh38, 1-based): chr1:108,136,801, C>T on the plus strand (G>A on the coding strand, the complement: SLC25A24 is on the minus strand). VCF-style: chr1-108136801-C-T. GRCh37 (hg19) VCF-style: chr1-108679423-C-T.
Other names: c.1229G>A, p.Gly410Asp (NM_213651.3); short protein forms G410D, G429D.
Identifiers: ClinVar variation 1488142 (VCV001488142.6), dbSNP rs2101592710, ClinGen allele CA341185508.
Genomic context (GRCh38, chr1:108,136,801, plus strand): 5'-GGGGTGATGCCTCTGTAAAGTCCTGGTATTCCTTCTTTGGAAATAATTCGTCGAAAGAGG[C>T]CAACCATATTCAGCTGTGGGGAACCTTCTAACATGGCTAAAAAATAAAAAAAGAGGGTAA-3'
Protein context (NP_037518.3, residues 419-439): LEGSPQLNMV[Gly429Asp]LFRRIISKEG

ClinVar aggregate classification (germline): Uncertain significance (1 of 4 stars; one submission).

Submission:

Labcorp Genetics (formerly Invitae), Labcorp
Classification: Uncertain significance. Last evaluated: 2022-07-05. Review status: criteria provided, single submitter. Criteria: Invitae Variant Classification Sherloc (09022015). Collection method: clinical testing. Allele origin: germline.
Comment: This sequence change replaces glycine, which is neutral and non-polar, with aspartic acid, which is acidic and polar, at codon 429 of the SLC25A24 protein (p.Gly429Asp). This variant is not present in population databases (gnomAD no frequency). This variant has not been reported in the literature in individuals affected with SLC25A24-related conditions. ClinVar contains an entry for this variant (Variation ID: 1488142). Advanced modeling of protein sequence and biophysical properties (such as structural, functional, and spatial information, amino acid conservation, physicochemical variation, residue mobility, and thermodynamic stability) performed at Invitae indicates that this missense variant is not expected to disrupt SLC25A24 protein function. In summary, the available evidence is currently insufficient to determine the role of this variant in disease. Therefore, it has been classified as a Variant of Uncertain Significance.